The following is an entry in ClinVar:

NM_002850.4(PTPRS):c.80G>A (p.Cys27Tyr)

Gene: PTPRS (protein tyrosine phosphatase receptor type S; minus strand). Cytogenetic location: 19p13.3.
Variant type: single nucleotide variant.
Coding change: c.80G>A on transcript NM_002850.4 (MANE Select); coding-DNA position 80, G replaced by A.
Protein change: p.Cys27Tyr; replaces cysteine 27 with tyrosine.
Molecular consequence: missense variant.
Genome position (GRCh38, 1-based): chr19:5,286,061, C>T on the plus strand (G>A on the coding strand, the complement: PTPRS is on the minus strand). VCF-style: chr19-5286061-C-T. GRCh37 (hg19) VCF-style: chr19-5286072-C-T.
Other names: c.80G>A, p.Cys27Tyr (NM_001394011.1, NM_001394012.1, NM_001394013.1 and 3 more transcripts); short protein forms C27Y.
Identifiers: ClinVar variation 3035147 (VCV003035147.2), dbSNP rs61729776, ClinGen allele CA9110881.
Genomic context (GRCh38, chr19:5,286,061, plus strand): 5'-CAGGTAAACAAACACGCAGACCCCTGCACATCCCGTGCCGGCTTCTTACCTTCTGCTGCA[C>T]AGCCTCCAACGAGCAGGACCACAAGGAGGCCCATGGGACCAACCACAGACACCATGCCAG-3'
Protein context (NP_002841.3, residues 17-37): GLLVVLLVGG[Cys27Tyr]AAEEPPRFIK

ClinVar aggregate classification (germline): Benign (0 of 4 stars; one submission).

Conditions:
PTPRS-related disorder. Also called: PTPRS-related condition.

Allele frequency attached by ClinVar (database versions not stated): 1000 Genomes Project 30x 0.00047; 1000 Genomes Project 0.00060; gnomAD 0.00178; TOPMed 0.00187; ExAC 0.00196; ESP Exome Variant Server 0.00277.

Submission:

PreventionGenetics, part of Exact Sciences
Classification: Benign for PTPRS-related condition. Last evaluated: 2020-03-04. Review status: no assertion criteria provided. Collection method: clinical testing. Allele origin: germline.
Comment: This variant is classified as benign based on ACMG/AMP sequence variant interpretation guidelines (Richards et al. 2015 PMID: 25741868, with internal and published modifications).